The following is an entry in ClinVar:

ClinVar aggregate classification (germline): Pathogenic. Review status: criteria provided, multiple submitters, no conflicts (2 of 4 stars). 2 submissions from 2 submitters: Pathogenic (2). Last evaluated 2026-02-25.

Conditions:
USH2A-related disorder. Also called: USH2A-related disorders; USH2A-related condition. Identifiers: MedGen CN239332.

Submissions (2):

Myriad Genetics, Inc.
Classification: Pathogenic for USH2A-related disorder. Last evaluated: 2026-02-25. Review status: criteria provided, single submitter. Criteria: Myriad Autosomal Dominant, Autosomal Recessive and X-Linked Classification Criteria (2023). Collection method: clinical testing. Allele origin: unknown.
Comment: NM_206933.2(USH2A):c.5950_5960dup11(Y1987*) is a nonsense variant classified as pathogenic in the context of USH2A-related disorders. Y1987* has been observed in a case with relevant disease (PMID: 29142287). Relevant functional assessments of this variant are not available in the literature. Y1987* has not been observed in referenced population frequency databases. In summary, NM_206933.2(USH2A):c.5950_5960dup11(Y1987*) is a nonsense variant in a gene where loss of function is a known mechanism of disease and is predicted to disrupt protein function. Please note: this variant was assessed in the context of healthy population screening.

Blueprint Genetics
Classification: Pathogenic for USH2A-related disorders. Last evaluated: 2022-08-13. Review status: criteria provided, single submitter. Criteria: ACMG Guidelines, 2015. Collection method: clinical testing. Allele origin: germline. Affected: yes. Observed: 1 variant allele.

Literature cited by the submitters: PubMed 29142287 (cited by Myriad Genetics, Inc.).

NM_206933.4(USH2A):c.5950_5960dup (p.Tyr1987Ter)

Gene: USH2A (usherin; minus strand). Cytogenetic location: 1q41.
Variant type: Duplication.
Coding change: c.5950_5960dup on transcript NM_206933.4 (MANE Select); coding-DNA positions 5950 to 5960, 11 bases duplicated (ATTGAGAAGTA).
Protein change: p.Tyr1987Ter; replaces tyrosine 1987 with a stop codon.
Molecular consequence: nonsense.
Genome position (GRCh38, 1-based): chr1:216,070,190-216,070,200, TACTTCTCAAT duplicated on the plus strand (ATTGAGAAGTA on the coding strand, the reverse complement: USH2A is on the minus strand); duplicating any 11 consecutive bases within chr1:216,070,190-216,070,203 gives the same sequence; the c. name uses the placement nearest the transcript's 3' end. VCF-style (leftmost placement, unchanged base first): chr1-216070189-G-GTACTTCTCAAT. GRCh37 (hg19) VCF-style: chr1-216243531-G-GTACTTCTCAAT.
Other names: short protein forms Y1987*.
Identifiers: ClinVar variation 4937438 (VCV004937438.2).